The following is an entry in ClinVar:

ClinVar aggregate classification (germline): Uncertain significance (1 of 4 stars; one submission).

Conditions:
Glycogen storage disease IXd (GSD9D). Also called: GSD IXd; Muscle Phosphorylase Kinase Deficiency. Identifiers: Orphanet 715, MedGen C1845151, MONDO:0010362, OMIM 300559.

Allele frequency attached by ClinVar (database versions not stated): gnomAD exomes 0.00001; TOPMed 0.00002; ExAC 0.00003.
gnomAD v4.1: 13 of 1,210,123 alleles (0.0011%); highest among the groups gnomAD compares: Admixed American, 0.0022%; no homozygotes.

Submission:

Labcorp Genetics (formerly Invitae), Labcorp
Classification: Uncertain significance for Glycogen storage disease IXd. Last evaluated: 2025-11-16. Review status: criteria provided, single submitter. Criteria: Invitae Variant Classification Sherloc (09022015). Collection method: clinical testing. Allele origin: germline.
Comment: This sequence change replaces glycine, which is neutral and non-polar, with glutamic acid, which is acidic and polar, at codon 339 of the PHKA1 protein (p.Gly339Glu). This variant is present in population databases (rs781898187, gnomAD 0.004%). This variant has not been reported in the literature in individuals affected with PHKA1-related conditions. ClinVar contains an entry for this variant (Variation ID: 1987947). Invitae Evidence Modeling of protein sequence and biophysical properties (such as structural, functional, and spatial information, amino acid conservation, physicochemical variation, residue mobility, and thermodynamic stability) indicates that this missense variant is expected to disrupt PHKA1 protein function with a positive predictive value of 80%. In summary, the available evidence is currently insufficient to determine the role of this variant in disease. Therefore, it has been classified as a Variant of Uncertain Significance.

NM_002637.4(PHKA1):c.1016G>A (p.Gly339Glu)

Gene: PHKA1 (phosphorylase kinase regulatory subunit alpha 1; minus strand). Cytogenetic location: Xq13.1.
Variant type: single nucleotide variant.
Coding change: c.1016G>A on transcript NM_002637.4 (MANE Select); coding-DNA position 1016, G replaced by A.
Protein change: p.Gly339Glu; replaces glycine 339 with glutamic acid.
Molecular consequence: missense variant.
Genome position (GRCh38, 1-based): chrX:72,656,145, C>T on the plus strand (G>A on the coding strand, the complement: PHKA1 is on the minus strand). VCF-style: chrX-72656145-C-T. GRCh37 (hg19) VCF-style: chrX-71875995-C-T.
Other names: c.1016G>A, p.Gly339Glu (NM_001122670.2, NM_001172436.2); short protein forms G339E.
Identifiers: ClinVar variation 1987947 (VCV001987947.4), dbSNP rs781898187, ClinGen allele CA10450954.